The following is an entry in ClinVar:

NM_005732.4(RAD50):c.796A>T (p.Met266Leu)

Gene: RAD50 (RAD50 double strand break repair protein; plus strand). Cytogenetic location: 5q31.1.
Variant type: single nucleotide variant.
Coding change: c.796A>T on transcript NM_005732.4 (MANE Select); coding-DNA position 796, A replaced by T.
Protein change: p.Met266Leu; replaces methionine 266 with leucine.
Molecular consequence: missense variant.
Genome position (GRCh38, 1-based): chr5:132,587,601, A>T. VCF-style: chr5-132587601-A-T. GRCh37 (hg19) VCF-style: chr5-131923293-A-T.
Other names: short protein forms M266L.
Identifiers: ClinVar variation 486258 (VCV000486258.5), dbSNP rs1554098162, ClinGen allele CA360940130.

ClinVar aggregate classification (germline): Uncertain significance (1 of 4 stars; one submission).

Conditions:
Hereditary cancer-predisposing syndrome. Also called: Tumor predisposition; Hereditary Cancer Syndrome; Hereditary neoplastic syndrome; Neoplastic Syndromes, Hereditary. Identifiers: Orphanet 140162, MedGen C0027672, MeSH D009386, MONDO:0015356.

Submission:

Ambry Genetics
Classification: Uncertain significance for Hereditary cancer-predisposing syndrome. Last evaluated: 2017-05-11. Review status: criteria provided, single submitter. Criteria: Ambry Variant Classification Scheme 2023. Collection method: clinical testing. Allele origin: germline.
Comment: The p.M266L variant (also known as c.796A>T), located in coding exon 6 of the RAD50 gene, results from an A to T substitution at nucleotide position 796. The methionine at codon 266 is replaced by leucine, an amino acid with highly similar properties. This amino acid position is well conserved in available vertebrate species. In addition, this alteration is predicted to be tolerated by in silico analysis. Since supporting evidence is limited at this time, the clinical significance of this alteration remains unclear.